The following is an entry in ClinVar:

ClinVar aggregate classification (germline): Uncertain significance (1 of 4 stars; one submission).

gnomAD v4.1: 3 of 1,614,080 alleles (0.00019%); highest among the groups gnomAD compares: Non-Finnish European, 0.00025%; no homozygotes.

Submission:

Labcorp Genetics (formerly Invitae), Labcorp
Classification: Uncertain significance. Last evaluated: 2025-10-23. Review status: criteria provided, single submitter. Criteria: Invitae Variant Classification Sherloc (09022015). Collection method: clinical testing. Allele origin: germline.
Comment: This sequence change replaces glycine, which is neutral and non-polar, with serine, which is neutral and polar, at codon 620 of the DNM1L protein (p.Gly620Ser). This variant is present in population databases (no rsID available, gnomAD 0.007%). This variant has not been reported in the literature in individuals affected with DNM1L-related conditions. An algorithm developed to predict the effect of missense changes on protein structure and function (PolyPhen-2) suggests that this variant is likely to be tolerated. In summary, the available evidence is currently insufficient to determine the role of this variant in disease. Therefore, it has been classified as a Variant of Uncertain Significance.

NM_012062.5(DNM1L):c.1858G>A (p.Gly620Ser)

Gene: DNM1L (dynamin 1 like; plus strand). Cytogenetic location: 12p11.21.
Variant type: single nucleotide variant.
Coding change: c.1858G>A on transcript NM_012062.5 (MANE Select); coding-DNA position 1858, G replaced by A.
Protein change: p.Gly620Ser; replaces glycine 620 with serine.
Molecular consequence: missense variant.
Genome position (GRCh38, 1-based): chr12:32,740,214, G>A. VCF-style: chr12-32740214-G-A. GRCh37 (hg19) VCF-style: chr12-32893148-G-A.
Other names: c.1825G>A, p.Gly609Ser (NM_001278463.2); c.1897G>A, p.Gly633Ser (NM_001278464.2); c.1864G>A, p.Gly622Ser (NM_001278465.2); c.1249G>A, p.Gly417Ser (NM_001278466.2); c.1786G>A, p.Gly596Ser (NM_001330380.2); c.1747G>A, p.Gly583Ser (NM_005690.5); c.1780G>A, p.Gly594Ser (NM_012063.4); short protein forms G583S, G596S, G622S, G417S, G609S, G620S, G633S, G594S.
Identifiers: ClinVar variation 4764132 (VCV004764132.1).